The following is an entry in ClinVar:

NM_001032283.3(TMPO):c.324T>A (p.Asp108Glu)

Gene: TMPO (thymopoietin; plus strand). Cytogenetic location: 12q23.1.
Variant type: single nucleotide variant.
Coding change: c.324T>A on transcript NM_001032283.3 (MANE Select); coding-DNA position 324, T replaced by A.
Protein change: p.Asp108Glu; replaces aspartic acid 108 with glutamic acid.
Molecular consequence: missense variant.
Genome position (GRCh38, 1-based): chr12:98,527,930, T>A. VCF-style: chr12-98527930-T-A. GRCh37 (hg19) VCF-style: chr12-98921708-T-A.
Other names: c.324T>A, p.Asp108Glu (NM_001032284.3, NM_001307975.2, NM_003276.2); short protein forms D108E.
Identifiers: ClinVar variation 2014483 (VCV002014483.4), dbSNP rs2548498858, ClinGen allele CA386150795.

ClinVar aggregate classification (germline): Uncertain significance (1 of 4 stars; one submission).

Conditions:
Loeys-Dietz syndrome 2 (LDS2). Also called: AORTIC ANEURYSM, FAMILIAL THORACIC 3; MARFAN SYNDROME, TYPE II; Marfan Syndrome type 2; Marfan like connective tissue disorder; MFS 2; TGFBR2-Related Loeys-Dietz Syndrome. Identifiers: Orphanet 284973, Orphanet 558, MedGen C2674574, MONDO:0012427, OMIM 610168.

Submission:

Labcorp Genetics (formerly Invitae), Labcorp
Classification: Uncertain significance for Loeys-Dietz syndrome 2. Last evaluated: 2022-07-06. Review status: criteria provided, single submitter. Criteria: Invitae Variant Classification Sherloc (09022015). Collection method: clinical testing. Allele origin: germline.
Comment: In summary, the available evidence is currently insufficient to determine the role of this variant in disease. Therefore, it has been classified as a Variant of Uncertain Significance. Algorithms developed to predict the effect of missense changes on protein structure and function are either unavailable or do not agree on the potential impact of this missense change (SIFT: "Deleterious"; PolyPhen-2: "Probably Damaging"; Align-GVGD: "Class C0"). This variant has not been reported in the literature in individuals affected with TMPO-related conditions. This variant is not present in population databases (gnomAD no frequency). This sequence change replaces aspartic acid, which is acidic and polar, with glutamic acid, which is acidic and polar, at codon 108 of the TMPO protein (p.Asp108Glu).